The following is an entry in ClinVar:

NM_000540.3(RYR1):c.5005T>C (p.Tyr1669His)

Gene: RYR1 (ryanodine receptor 1; plus strand). Cytogenetic location: 19q13.2.
Variant type: single nucleotide variant.
Coding change: c.5005T>C on transcript NM_000540.3 (MANE Select); coding-DNA position 5005, T replaced by C.
Protein change: p.Tyr1669His; replaces tyrosine 1669 with histidine.
Molecular consequence: missense variant.
Genome position (GRCh38, 1-based): chr19:38,485,660, T>C. VCF-style: chr19-38485660-T-C. GRCh37 (hg19) VCF-style: chr19-38976300-T-C.
Other names: c.5005T>C, p.Tyr1669His (NM_001042723.2); short protein forms Y1669H.
Identifiers: ClinVar variation 2904668 (VCV002904668.4), dbSNP rs1313713863, ClinGen allele CA405652993.
Genomic context (GRCh38, chr19:38,485,660, plus strand): 5'-ATCCTGGAGCTGTCGGAGCGCCTGGACCTGCAGCGCTTCCACTCGCACACCCTGCGCCTC[T>C]ACCGCGCTGTGTGCGCCCTGGGCAACAATCGCGTGGCGCACGCTCTGTGCAGCCACGTAG-3'
Protein context (NP_000531.2, residues 1659-1679): QRFHSHTLRL[Tyr1669His]RAVCALGNNR

ClinVar aggregate classification (germline): Conflicting classifications of pathogenicity. Review status: criteria provided, conflicting classifications (1 of 4 stars). 3 submissions from 3 submitters: Likely pathogenic (1); Uncertain significance (2). Last evaluated 2025-07-05.

Conditions:
Malignant hyperthermia, susceptibility to, 1 (MHS1). Also called: Anesthesia related hyperthermia; Malignant hyperpyrexia; Fulminating hyperpyrexia; Pharmacogenic myopathy; RYR1-Related Malignant Hyperthermia Susceptibility; Malignant hyperthermia suceptibility 1. Identifiers: Orphanet 423, MedGen C2930980, MONDO:0007783, OMIM 145600.
RYR1-related disorder. Also called: RYR1-related condition; RYR1-related disorders. Identifiers: MedGen CN239331.

Allele frequency attached by ClinVar (database versions not stated): gnomAD exomes below 0.00001; TOPMed below 0.00001.
gnomAD v4.1: 2 of 1,610,752 alleles (0.00012%); highest among the groups gnomAD compares: African/African-American, 0.0013%; no homozygotes.

Submissions (3):

GeneDx
Classification: Likely pathogenic. Last evaluated: 2025-07-05. Review status: criteria provided, single submitter. Criteria: GeneDx Variant Classification Process June 2021. Collection method: clinical testing. Allele origin: germline.
Comment: In silico analysis supports that this missense variant has a deleterious effect on protein structure/function; Not observed at significant frequency in large population cohorts (gnomAD); Has not been previously published as pathogenic or benign to our knowledge

All of Us Research Program, National Institutes of Health
Classification: Uncertain significance for Malignant hyperthermia, susceptibility to, 1. Last evaluated: 2024-05-14. Review status: criteria provided, single submitter. Criteria: ACMG Guidelines, 2015. Collection method: clinical testing. Allele origin: germline. Inheritance: Autosomal dominant inheritance. Observed: 1 variant allele, 1 heterozygote.
Comment: This missense variant replaces tyrosine with histidine at codon 1669 of the RYR1 protein. Computational prediction suggests that this variant may have deleterious impact on protein structure and function (internally defined REVEL score threshold >= 0.7, PMID: 27666373). To our knowledge, functional studies have not been reported for this variant. This variant has not been reported in individuals affected with RYR1-related disorders in the literature. This variant has been identified in 1/246472 chromosomes in the general population by the Genome Aggregation Database (gnomAD). The available evidence is insufficient to determine the role of this variant in disease conclusively. Therefore, this variant is classified as a Variant of Uncertain Significance.

This study involves interpretation of variants in research participants for the purpose of population health screening. Participant phenotype was not available at the time of variant classification. Additional details can be found in publication PMID: 35346344, PMCID: PMC8962531

Labcorp Genetics (formerly Invitae), Labcorp
Classification: Uncertain significance for RYR1-related disorder. Last evaluated: 2023-12-09. Review status: criteria provided, single submitter. Criteria: Invitae Variant Classification Sherloc (09022015). Collection method: clinical testing. Allele origin: germline.
Comment: This sequence change replaces tyrosine, which is neutral and polar, with histidine, which is basic and polar, at codon 1669 of the RYR1 protein (p.Tyr1669His). This variant is present in population databases (no rsID available, gnomAD 0.0009%). This variant has not been reported in the literature in individuals affected with RYR1-related conditions. Advanced modeling of protein sequence and biophysical properties (such as structural, functional, and spatial information, amino acid conservation, physicochemical variation, residue mobility, and thermodynamic stability) performed at Invitae indicates that this missense variant is expected to disrupt RYR1 protein function with a positive predictive value of 95%. In summary, the available evidence is currently insufficient to determine the role of this variant in disease. Therefore, it has been classified as a Variant of Uncertain Significance.